The following is an entry in ClinVar:

NM_005321.3(H1-4):c.336C>T (p.Ala112=)

Gene: H1-4 (H1.4 linker histone, cluster member; plus strand). Cytogenetic location: 6p22.2.
Variant type: single nucleotide variant.
Coding change: c.336C>T on transcript NM_005321.3 (MANE Select); coding-DNA position 336, C replaced by T.
Protein change: p.Ala112=; no amino-acid change (alanine 112 retained).
Molecular consequence: synonymous variant.
Genome position (GRCh38, 1-based): chr6:26,156,726, C>T. VCF-style: chr6-26156726-C-T. GRCh37 (hg19) VCF-style: chr6-26156954-C-T.
Identifiers: ClinVar variation 3055132 (VCV003055132.2), dbSNP rs762347118, ClinGen allele CA3668043.

ClinVar aggregate classification (germline): Likely benign (0 of 4 stars; one submission).

Conditions:
H1-4-related disorder. Also called: H1-4-related condition.

Allele frequency attached by ClinVar (database versions not stated): gnomAD 0.00007.
gnomAD v4.1: 165 of 1,614,002 alleles (0.01%); highest among the groups gnomAD compares: Non-Finnish European, 0.013%; no homozygotes.

Submission:

PreventionGenetics, part of Exact Sciences
Classification: Likely benign for H1-4-related condition. Last evaluated: 2023-12-06. Review status: no assertion criteria provided. Collection method: clinical testing. Allele origin: germline.
Comment: This variant is classified as likely benign based on ACMG/AMP sequence variant interpretation guidelines (Richards et al. 2015 PMID: 25741868, with internal and published modifications).